The following is an entry in ClinVar:

NM_001271.4(CHD2):c.854C>T (p.Ala285Val)

Gene: CHD2 (chromodomain helicase DNA binding protein 2; plus strand). Cytogenetic location: 15q26.1.
Variant type: single nucleotide variant.
Coding change: c.854C>T on transcript NM_001271.4 (MANE Select); coding-DNA position 854, C replaced by T.
Protein change: p.Ala285Val; replaces alanine 285 with valine.
Molecular consequence: missense variant.
Genome position (GRCh38, 1-based): chr15:92,942,870, C>T. VCF-style: chr15-92942870-C-T. GRCh37 (hg19) VCF-style: chr15-93486100-C-T.
Other names: c.854C>T, p.Ala285Val (NM_001042572.3); short protein forms A285V.
Identifiers: ClinVar variation 509575 (VCV000509575.13), dbSNP rs544867753, ClinGen allele CA7747646.

ClinVar aggregate classification (germline): Benign/Likely benign. Review status: criteria provided, multiple submitters, no conflicts (2 of 4 stars). 3 submissions from 3 submitters: Benign (1); Likely benign (1). 1 of the submissions does not count toward it. Last evaluated 2026-01-21.

Conditions:
Developmental and epileptic encephalopathy 94 (DEE94). Also called: CHD2-Related Neurodevelopmental Disorders; Epileptic encephalopathy, childhood-onset. Identifiers: Orphanet 1942, Orphanet 2382, MedGen C3809278, MONDO:0014150, OMIM 615369.
CHD2-related disorder. Also called: CHD2-related condition.

Allele frequency attached by ClinVar (database versions not stated): gnomAD 0.00002; gnomAD exomes 0.00002; TOPMed 0.00004.
gnomAD v4.1: 36 of 1,613,086 alleles (0.0022%); highest among the groups gnomAD compares: Middle Eastern, 0.016%; no homozygotes.

Submissions (3):

Labcorp Genetics (formerly Invitae), Labcorp
Classification: Benign for Developmental and epileptic encephalopathy 94. Last evaluated: 2026-01-21. Review status: criteria provided, single submitter. Criteria: Invitae Variant Classification Sherloc (09022015). Collection method: clinical testing. Allele origin: germline.

GeneDx
Classification: Likely benign. Last evaluated: 2017-05-19. Review status: criteria provided, single submitter. Criteria: GeneDx Variant Classification (06012015). Collection method: clinical testing. Allele origin: germline. Affected: yes.
Comment: This variant is considered likely benign or benign based on one or more of the following criteria: it is a conservative change, it occurs at a poorly conserved position in the protein, it is predicted to be benign by multiple in silico algorithms, and/or has population frequency not consistent with disease.

PreventionGenetics, part of Exact Sciences
Classification: Likely benign for CHD2-related condition. Last evaluated: 2020-12-09. Review status: no assertion criteria provided. Collection method: clinical testing. Allele origin: germline. Not counted in ClinVar's aggregate classification.
Comment: This variant is classified as likely benign based on ACMG/AMP sequence variant interpretation guidelines (Richards et al. 2015 PMID: 25741868, with internal and published modifications).